The following is an entry in ClinVar:

ClinVar aggregate classification (germline): Conflicting classifications of pathogenicity. Review status: criteria provided, conflicting classifications (1 of 4 stars). 5 submissions from 5 submitters: Uncertain significance (1); Likely benign (3). 1 of the submissions does not count toward it. Last evaluated 2025-03-21.

Conditions:
TTN-related disorder. Also called: TTN-related disorders; TTN-related condition; TTN-related disease.
Autosomal recessive limb-girdle muscular dystrophy type 2J (LGMDR10). Also called: MUSCULAR DYSTROPHY, LIMB-GIRDLE, AUTOSOMAL RECESSIVE 10; Limb-girdle muscular dystrophy, type 2J. Identifiers: Orphanet 140922, MedGen C1837342, MONDO:0012127, OMIM 608807.
Dilated cardiomyopathy 1G (CMD1G). Identifiers: Orphanet 154, MedGen C1858763, MONDO:0011400, OMIM 604145.

Allele frequency attached by ClinVar (database versions not stated): gnomAD 0.00002; gnomAD exomes 0.00002 and 0.00003; TOPMed 0.00002; ExAC 0.00012.
gnomAD v4.1: 33 of 1,543,228 alleles (0.0021%); highest among the groups gnomAD compares: Middle Eastern, 0.017%; no homozygotes.

Submissions (5):

Labcorp Genetics (formerly Invitae), Labcorp
Classification: Likely benign for Dilated cardiomyopathy 1G; Autosomal recessive limb-girdle muscular dystrophy type 2J. Last evaluated: 2025-03-21. Review status: criteria provided, single submitter. Criteria: Invitae Variant Classification Sherloc (09022015). Collection method: clinical testing. Allele origin: germline.

CeGaT Center for Human Genetics Tuebingen
Classification: Likely benign. Last evaluated: 2023-06-01. Review status: criteria provided, single submitter. Criteria: CeGaT Center For Human Genetics Tuebingen Variant Classification Criteria Version 2. Collection method: clinical testing. Allele origin: germline. Affected: yes. Observed: 1 variant allele.
Comment: TTN: BP4, BP7

Athena Diagnostics
Classification: Likely benign. Last evaluated: 2020-04-09. Review status: criteria provided, single submitter. Criteria: Athena Diagnostics Criteria. Collection method: clinical testing. Allele origin: unknown.

Eurofins Ntd Llc (ga)
Classification: Uncertain significance. Last evaluated: 2018-02-06. Review status: criteria provided, single submitter. Criteria: EGL Classification Definitions 2015. Collection method: clinical testing. Allele origin: germline. Observed: 1 variant allele, 1 heterozygote.

PreventionGenetics, part of Exact Sciences
Classification: Likely benign for TTN-related condition. Last evaluated: 2024-02-17. Review status: no assertion criteria provided. Collection method: clinical testing. Allele origin: germline. Not counted in ClinVar's aggregate classification.
Comment: This variant is classified as likely benign based on ACMG/AMP sequence variant interpretation guidelines (Richards et al. 2015 PMID: 25741868, with internal and published modifications).

NM_001267550.2(TTN):c.47766C>T (p.Thr15922=)

Genes: TTN (titin; minus strand), TTN-AS1 (TTN antisense RNA 1; plus strand). Cytogenetic location: 2q31.2.
Variant type: single nucleotide variant.
Coding change: c.47766C>T on transcript NM_001267550.2 (MANE Select); coding-DNA position 47766, C replaced by T.
Protein change: p.Thr15922=; no amino-acid change (threonine 15922 retained).
Molecular consequence: synonymous variant.
Genome position (GRCh38, 1-based): chr2:178,617,229, G>A on the plus strand (C>T on the coding strand, the complement: TTN is on the minus strand). VCF-style: chr2-178617229-G-A. GRCh37 (hg19) VCF-style: chr2-179481956-G-A.
Other names: c.42843C>T, p.Thr14281= (NM_001256850.1); c.20571C>T, p.Thr6857= (NM_003319.4); c.40062C>T, p.Thr13354= (NM_133378.4); c.20946C>T, p.Thr6982= (NM_133432.3); c.21147C>T, p.Thr7049= (NM_133437.4).
Identifiers: ClinVar variation 595922 (VCV000595922.44), dbSNP rs757006832, ClinGen allele CA1994975.